The following is an entry in ClinVar:

ClinVar aggregate classification (germline): Uncertain significance. Review status: criteria provided, multiple submitters, no conflicts (2 of 4 stars). 5 submissions from 5 submitters: Uncertain significance (4). 1 of the submissions does not count toward it. Last evaluated 2026-05-18.

Conditions:
Meniere disease. Also called: Ménière's disease. Identifiers: MedGen C0025281, MONDO:0007972, OMIM 156000.

Allele frequency attached by ClinVar (database versions not stated): ExAC 0.00014; gnomAD 0.00014 and 0.00015; TOPMed 0.00015; gnomAD exomes 0.00017; ESP Exome Variant Server 0.00024.
gnomAD v4.1: 285 of 1,613,534 alleles (0.018%); highest among the groups gnomAD compares: Admixed American, 0.023%; no homozygotes.

Submissions (5):

Women's Health and Genetics/Laboratory Corporation of America, LabCorp
Classification: Uncertain significance. Last evaluated: 2026-05-18. Review status: criteria provided, single submitter. Criteria: LabCorp Variant Classification Summary - May 2015. Collection method: clinical testing. Allele origin: germline.
Comment: Variant summary: ACAN c.1948G>A (p.Val650Met) results in a conservative amino acid change in the encoded protein sequence. Algorithms developed to predict the effect of missense changes on protein structure and function are either unavailable or do not agree on the potential impact of this missense change. The variant allele was found at a frequency of 0.00017 in 246974 control chromosomes. This frequency is not significantly higher than estimated for disease-causing variants in ACAN, allowing no conclusion about variant significance. c.1948G>A has been reported in the heterozygous state in a patient with short stature, depressed nasal bridge, thin lips and epicantus with brachydacyly (Sentchordi-Montane_2018, Sentchordi-Montane_2021). These reports do not provide unequivocal conclusions about association of the variant with ACAN-Related Disorders. To our knowledge, no experimental evidence demonstrating an impact on protein function has been reported. The following publications have been ascertained in the context of this evaluation (PMID: 29464738, 34516402). ClinVar contains an entry for this variant (Variation ID: 1487258). Based on the evidence outlined above, the variant was classified as uncertain significance.

Labcorp Genetics (formerly Invitae), Labcorp
Classification: Uncertain significance. Last evaluated: 2026-01-26. Review status: criteria provided, single submitter. Criteria: Invitae Variant Classification Sherloc (09022015). Collection method: clinical testing. Allele origin: germline.
Comment: This sequence change replaces valine, which is neutral and non-polar, with methionine, which is neutral and non-polar, at codon 650 of the ACAN protein (p.Val650Met). This variant is present in population databases (rs201414869, gnomAD 0.03%). This missense change has been observed in individual(s) with short stature (PMID: 29464738, 34516402). ClinVar contains an entry for this variant (Variation ID: 1487258). Invitae Evidence Modeling of protein sequence and biophysical properties (such as structural, functional, and spatial information, amino acid conservation, physicochemical variation, residue mobility, and thermodynamic stability) indicates that this missense variant is not expected to disrupt ACAN protein function with a negative predictive value of 80%. In summary, the available evidence is currently insufficient to determine the role of this variant in disease. Therefore, it has been classified as a Variant of Uncertain Significance.

Blueprint Genetics
Classification: Uncertain significance. Last evaluated: 2024-05-16. Review status: criteria provided, single submitter. Criteria: ACMG Guidelines, 2015. Collection method: clinical testing. Allele origin: germline.

Breakthrough Genomics
Classification: Uncertain significance. Review status: criteria provided, single submitter. Criteria: ACMG Guidelines, 2015. Collection method: not provided. Allele origin: germline. Inheritance: Autosomal recessive inheritance. Affected: yes.

Center for Computational Biology & Bioinformatics, University of California, San Diego
Classification: Uncertain significance for Meniere disease. Last evaluated: 2024-06-03. Review status: no assertion criteria provided. Collection method: research. Allele origin: germline. Affected: yes. Not counted in ClinVar's aggregate classification.

Literature cited by the submitters: PubMed 29464738 (cited by Women's Health and Genetics/Laboratory Corporation of America, LabCorp and Labcorp Genetics (formerly Invitae), Labcorp); PubMed 34516402 (cited by Women's Health and Genetics/Laboratory Corporation of America, LabCorp and Labcorp Genetics (formerly Invitae), Labcorp).

NM_001369268.1(ACAN):c.1948G>A (p.Val650Met)

Gene: ACAN (aggrecan; plus strand). Cytogenetic location: 15q26.1.
Variant type: single nucleotide variant.
Coding change: c.1948G>A on transcript NM_001369268.1 (MANE Select); coding-DNA position 1948, G replaced by A.
Protein change: p.Val650Met; replaces valine 650 with methionine.
Molecular consequence: missense variant.
Genome position (GRCh38, 1-based): chr15:88,849,653, G>A. VCF-style: chr15-88849653-G-A. GRCh37 (hg19) VCF-style: chr15-89392884-G-A.
Other names: c.1948G>A, p.Val650Met (NM_001135.4, NM_013227.4); short protein forms V650M.
Identifiers: ClinVar variation 1487258 (VCV001487258.11), dbSNP rs201414869, ClinGen allele CA7719736.